The following is an entry in ClinVar:

NM_001395656.1(ROBO2):c.3926G>A (p.Arg1309Gln)

Gene: ROBO2 (roundabout guidance receptor 2; plus strand). Cytogenetic location: 3p12.3.
Variant type: single nucleotide variant.
Coding change: c.3926G>A on transcript NM_001395656.1 (MANE Select); coding-DNA position 3926, G replaced by A.
Protein change: p.Arg1309Gln; replaces arginine 1309 with glutamine.
Molecular consequence: missense variant. On other transcripts: intron variant (1).
Genome position (GRCh38, 1-based): chr3:77,635,023, G>A. VCF-style: chr3-77635023-G-A. GRCh37 (hg19) VCF-style: chr3-77684174-G-A.
Other names: c.3926G>A, p.Arg1309Gln (NM_001290039.2); c.4109G>A, p.Arg1370Gln (NM_001290040.2, NM_001394212.1, NM_001395657.1); c.2135G>A, p.Arg712Gln (NM_001290065.2); c.3974G>A, p.Arg1325Gln (NM_001378190.1, NM_001378200.1, NM_001378201.1); c.4112G>A, p.Arg1371Gln (NM_001378194.1); c.4100G>A, p.Arg1367Gln (NM_001378195.1, NM_001378196.1, NM_001378191.1); c.3962G>A, p.Arg1321Gln (NM_001128929.3); c.3995G>A, p.Arg1332Gln (NM_001378192.1, NM_001378198.1, NM_001378199.1); and 6 more; short protein forms R1321Q, R1370Q, R712Q, R1305Q, R1325Q, R1347Q, R1367Q, R1306Q.
Identifiers: ClinVar variation 1033555 (VCV001033555.2), dbSNP rs138700841, ClinGen allele CA2497783.

ClinVar aggregate classification (germline): Uncertain significance (1 of 4 stars; one submission).

Conditions:
Vesicoureteral reflux 2 (VUR2). Identifiers: Orphanet 289365, MedGen C1970483, MONDO:0012573, OMIM 610878.

Allele frequency attached by ClinVar (database versions not stated): ESP Exome Variant Server 0.00008; gnomAD 0.00011 and 0.00012; TOPMed 0.00016; gnomAD exomes 0.00034; ExAC 0.00037; 1000 Genomes Project 0.00060; 1000 Genomes Project 30x 0.00062.
gnomAD v4.1: 196 of 1,613,982 alleles (0.012%); highest among the groups gnomAD compares: East Asian, 0.19%; no homozygotes.

Submission:

Baylor Genetics
Classification: Uncertain significance for Vesicoureteral reflux 2. Last evaluated: 2018-03-19. Review status: criteria provided, single submitter. Criteria: ACMG Guidelines, 2015. Collection method: clinical testing. Allele origin: maternal. Affected: yes.
Comment: This variant was determined to be of uncertain significance according to ACMG Guidelines, 2015 [PMID:25741868].